The following is an entry in ClinVar:

ClinVar aggregate classification (germline): Uncertain significance (1 of 4 stars; one submission).

Conditions:
Hereditary cancer-predisposing syndrome. Also called: Neoplastic Syndromes, Hereditary; Tumor predisposition; Hereditary Cancer Syndrome; Hereditary neoplastic syndrome. Identifiers: Orphanet 140162, MedGen C0027672, MeSH D009386, MONDO:0015356.

Submission:

Ambry Genetics
Classification: Uncertain significance for Hereditary cancer-predisposing syndrome. Last evaluated: 2019-06-20. Review status: criteria provided, single submitter. Criteria: Ambry Variant Classification Scheme 2023. Collection method: clinical testing. Allele origin: germline.
Comment: The p.F106C variant (also known as c.317T>G), located in coding exon 4 of the MRE11A gene, results from a T to G substitution at nucleotide position 317. The phenylalanine at codon 106 is replaced by cysteine, an amino acid with highly dissimilar properties. This amino acid position is highly conserved in available vertebrate species. In addition, this alteration is predicted to be deleterious by in silico analysis. Since supporting evidence is limited at this time, the clinical significance of this alteration remains unclear.

NM_005591.4(MRE11):c.317T>G (p.Phe106Cys)

Gene: MRE11 (MRE11 double strand break repair nuclease; minus strand). Cytogenetic location: 11q21.
Variant type: single nucleotide variant.
Coding change: c.317T>G on transcript NM_005591.4 (MANE Select); coding-DNA position 317, T replaced by G.
Protein change: p.Phe106Cys; replaces phenylalanine 106 with cysteine.
Molecular consequence: missense variant.
Genome position (GRCh38, 1-based): chr11:94,479,759, A>C on the plus strand (T>G on the coding strand, the complement: MRE11 is on the minus strand). VCF-style: chr11-94479759-A-C. GRCh37 (hg19) VCF-style: chr11-94212925-A-C.
Other names: c.317T>G, p.Phe106Cys (NM_005590.4, NM_001330347.2); short protein forms F106C.
Identifiers: ClinVar variation 1799586 (VCV001799586.2), dbSNP rs2135091893, ClinGen allele CA382378695.